The following is an entry in ClinVar:

NM_000179.3(MSH6):c.*49_*68dup

Gene: MSH6 (mutS homolog 6; plus strand). Cytogenetic location: 2p16.3.
Variant type: Duplication.
Coding change: c.*49_*68dup on transcript NM_000179.3 (MANE Select); 49 bases downstream of the stop codon through 68 bases downstream of the stop codon, 20 bases duplicated (TTCAGACAACATTATGATCT).
Molecular consequence: 3 prime UTR variant.
Genome position (GRCh38, 1-based): chr2:47,806,909-47,806,928, TTCAGACAACATTATGATCT duplicated. VCF-style (leftmost placement, unchanged base first): chr2-47806908-A-ATTCAGACAACATTATGATCT. GRCh37 (hg19) VCF-style: chr2-48034047-A-ATTCAGACAACATTATGATCT.
Other names: c.*49_*68dup (NM_000179.2, NM_001281492.2, NM_001281493.2 and 1 more transcripts); c.*49_*68dupTTCAGACAACATTATGATCT (NM_000179.3, NM_000179.2).
Identifiers: ClinVar variation 495703 (VCV000495703.60), dbSNP rs777409019, ClinGen allele CA1649523.
Genomic context (GRCh38, chr2:47,806,908, plus strand): 5'-TAAGGAATTATAGACTGACTACATTGGAAGCTTTGAGTTGACTTCTGACAAAGGTGGTAA[A>ATTCAGACAACATTATGATCT]TTCAGACAACATTATGATCTAATAAACTTTATTTTTTAAAAATGACCATTTTTCCATTTT-3'

ClinVar aggregate classification (germline): Conflicting classifications of pathogenicity. Review status: criteria provided, conflicting classifications (1 of 4 stars). 14 submissions from 14 submitters: Likely pathogenic (1); Uncertain significance (10); Likely benign (3). Last evaluated 2026-06-01.

Conditions:
Lynch syndrome 5 (LYNCH5). Also called: Hereditary non-polyposis colorectal cancer, type 5; Colorectal cancer, hereditary nonpolyposis, type 5. Identifiers: Orphanet 144, MedGen C1833477, MONDO:0013710, OMIM 614350. Disease mechanism: loss of function.
Endometrial carcinoma. Also called: Endometrial carcinoma, somatic. Identifiers: MedGen C0476089, MONDO:0002447, OMIM 608089, HP:0012114.
Mismatch repair cancer syndrome 3. Identifiers: MedGen C5436807, MONDO:0030841, OMIM 619097.
Hereditary nonpolyposis colorectal neoplasms. Identifiers: MedGen C0009405, MeSH D003123.
Hereditary cancer-predisposing syndrome. Also called: Hereditary neoplastic syndrome; Neoplastic Syndromes, Hereditary; Hereditary Cancer Syndrome; Tumor predisposition. Identifiers: Orphanet 140162, MedGen C0027672, MeSH D009386, MONDO:0015356.
Lynch syndrome. Identifiers: Orphanet 144, MedGen C4552100, MONDO:0005835. Disease mechanism: loss of function.
Familial cancer of breast. Also called: Hereditary breast cancer; hereditary breast carcinoma; BREAST CANCER, FAMILIAL. Identifiers: Orphanet 227535, MedGen C0346153, MONDO:0016419, OMIM 114480. Disease mechanism: loss of function.

Allele frequency attached by ClinVar (database versions not stated): ExAC 0.00007; gnomAD exomes 0.00010 and 0.00024; gnomAD 0.00020 and 0.00021.

Submissions (14):

CeGaT Center for Human Genetics Tuebingen
Classification: Likely benign. Last evaluated: 2026-06-01. Review status: criteria provided, single submitter. Criteria: CeGaT Center For Human Genetics Tuebingen Variant Classification Criteria Version 2. Collection method: clinical testing. Allele origin: germline. Affected: yes. Observed: 12 variant alleles.
Comment: MSH6: PS3:Supporting, BP5, BS1

Department of Clinical Genetics, Copenhagen University Hospital, Rigshospitalet
Classification: Likely benign for Lynch syndrome. Last evaluated: 2026-05-05. Review status: criteria provided, single submitter. Criteria: ACMG Guidelines, 2015. Collection method: clinical testing. Allele origin: germline.
Comment: The following ACMG criteria has been used: BS1 (the variant is reported with a FAF of 0.02793% in gnomAd v.4.1). Allele-specific RNA analysis moreover indicates that both alleles are expressed at a fraction between 42-55% (in house data). In addition, tumor IHC data show MSH6 expression (ClinVar accession: SCV002585792.26).

Center for Genomic Medicine, Rigshospitalet, Copenhagen University Hospital
Classification: Uncertain significance. Last evaluated: 2025-12-29. Review status: criteria provided, single submitter. Criteria: ACMG Guidelines, 2015. Collection method: clinical testing. Allele origin: germline.

Quest Diagnostics Nichols Institute San Juan Capistrano
Classification: Uncertain significance. Last evaluated: 2025-07-29. Review status: criteria provided, single submitter. Criteria: Quest Diagnostics criteria. Collection method: clinical testing. Allele origin: unknown.
Comment: The MSH6 c.*49_*68dup variant has been reported in the published literature in individuals with colon cancer (PMID: 22672937 (2012)). This variant was also shown to reduce MSH6 mRNA polyadenylation (PMID: 22672937 (2012)). The frequency of this variant in the general population (Genome Aggregation Database) is uninformative in the assessment of its pathogenicity. Based on the available information, we are unable to determine the clinical significance of this variant.

GeneDx
Classification: Uncertain significance. Last evaluated: 2025-03-31. Review status: criteria provided, single submitter. Criteria: GeneDx Variant Classification Process June 2021. Collection method: clinical testing. Allele origin: germline. Affected: yes.
Comment: Observed in two individuals with a personal and/or family history of colorectal cancer (PMID: 22672937); Published functional studies demonstrate decreased efficiency of MSH6 mRNA polyadenylation reducing MSH6 expression (PMID: 22672937); This variant is associated with the following publications: (PMID: 22672937, 34426522)

Blueprint Genetics
Classification: Uncertain significance. Last evaluated: 2024-11-05. Review status: criteria provided, single submitter. Criteria: ACMG Guidelines, 2015. Collection method: clinical testing. Allele origin: germline.

Fulgent Genetics
Classification: Uncertain significance for Endometrial carcinoma; Lynch syndrome 5; Mismatch repair cancer syndrome 3. Last evaluated: 2024-06-08. Review status: criteria provided, single submitter. Criteria: ACMG Guidelines, 2015. Collection method: clinical testing. Allele origin: germline.

Labcorp Genetics (formerly Invitae), Labcorp
Classification: Likely benign for Hereditary nonpolyposis colorectal neoplasms. Last evaluated: 2024-05-06. Review status: criteria provided, single submitter. Criteria: Invitae Variant Classification Sherloc (09022015). Collection method: clinical testing. Allele origin: germline.

Genetic Services Laboratory, University of Chicago
Classification: Uncertain significance. Last evaluated: 2024-04-26. Review status: criteria provided, single submitter. Criteria: ACMG Guidelines, 2015. Collection method: clinical testing. Allele origin: germline. Affected: no.
Comment: DNA sequence analysis of the MSH6 gene demonstrated a sequence change in intron 10, c.*49_*68dup. This change has been previously described in individuals with a personal and family history of colorectal cancer (PMID: 22672937). This sequence change has been described in the gnomAD database with a frequency of 0.01% in the overall population (dbSNP rs777409019). The functional significance of this sequence change is not known at present.

Ambry Genetics
Classification: Uncertain significance for Hereditary cancer-predisposing syndrome. Last evaluated: 2023-12-27. Review status: criteria provided, single submitter. Criteria: Ambry Variant Classification Scheme 2023. Collection method: clinical testing. Allele origin: germline.
Comment: The c.*49_*68dup20 variant, located in the 3&rsquo; untranslated region (UTR) of the MSH6 gene, results from a duplication of 20 nucleotides from position *49 to *69. This variant was identified in 2/189 familial colon cancer patients and was not detected in 150 controls without any familial history of colon cancer; one functional study indicated that this variant reduces MSH6 expression by lowering the efficiency of MSH6 mRNA polyadenylation (Decorsi&egrave;re A et al. Cell Cycle 2012 Jul;11(13):2578-80). While this variant is not predicted to impact protein sequence, it is unknown if it otherwise affects transcriptional/translational regulatory elements. Since supporting evidence is limited at this time, the clinical significance of this alteration remains unclear.

Baylor Genetics
Classification: Uncertain significance for Endometrial carcinoma. Last evaluated: 2023-10-10. Review status: criteria provided, single submitter. Criteria: ACMG Guidelines, 2015. Collection method: clinical testing. Allele origin: unknown.

Sema4
Classification: Uncertain significance for Hereditary cancer-predisposing syndrome. Last evaluated: 2021-10-01. Review status: criteria provided, single submitter. Criteria: Sema4 Curation Guidelines. Collection method: curation. Allele origin: germline.
Comment: The c.*49_*68dupTTCAGACAACATTATGATCT variant, located in the 3' untranslated region of the MSH6 gene, has been reported in heterozygosity in at least 2 individuals with colorectal cancer (PMID: 22672937). Functional studies have shown that this variant alters the transcript expression and normal 3' polyadenylation of the MSH6 transcript (PMID: 22672937). This variant was observed in 27/127594 chromosomes in the European (non-Finnish) population, according to the Genome Aggregation Database (PMID: 32461654), and has been reported in ClinVar (Variation ID: 495703). The evidence is insufficient to meet ACMG/AMP criteria for classifying the variant as benign or pathogenic. Thus, the clinical significance of this variant is currently uncertain.

Women's Health and Genetics/Laboratory Corporation of America, LabCorp
Classification: Uncertain significance. Last evaluated: 2016-11-16. Review status: criteria provided, single submitter. Criteria: LabCorp Variant Classification Summary - May 2015. Collection method: clinical testing. Allele origin: germline.
Comment: Variant summary: The MSH6 c.*49_*68dupTTCAGACAACATTATGATCT variant is located in the 3' UTR of MSH6. The occurrence information of this variant in population control cohorts is not available due to no coverage of this chromosomal region by ExAC or ESP. This variant has not been, to our knowledge, reported in affected individuals via publications and/or clinical diagnostic laboratories/databases. Muliple miRNA databases (and miRBase) were utilized to assess whether the variant of interest could affect microRNA binding, however, conflicting results were observed, therefore it remains unclear whether this variant would have implications on miRNA binding. In addition, under ACMG standards and guidelines for inherited colorectal cancer (PMID: 24310308), large deletions and duplications are rarely seen in MSH6. However, due to the limited information available, the variant of interest is classified as a "Variant of Uncertain Significance (VUS)," until additional information becomes available.

Department of Pathology and Laboratory Medicine, Sinai Health System
Classification: Likely pathogenic for hereditary breast carcinoma. Review status: criteria provided, single submitter. Criteria: ACMG Guidelines, 2015. Collection method: clinical testing. Allele origin: germline.

Literature cited by the submitters: PubMed 22672937 (cited by 5 submitters); PubMed 34426522 (cited by Quest Diagnostics Nichols Institute San Juan Capistrano).